The following is an entry in ClinVar:

ClinVar aggregate classification (germline): Uncertain significance (1 of 4 stars; one submission).

Conditions:
Inborn genetic diseases. Identifiers: MedGen C0950123, MeSH D030342.

Submission:

Ambry Genetics
Classification: Uncertain significance for Inborn genetic diseases. Last evaluated: 2025-03-20. Review status: criteria provided, single submitter. Criteria: Ambry Variant Classification Scheme 2023. Collection method: clinical testing. Allele origin: germline.
Comment: The p.V186A variant (also known as c.557T>C), located in coding exon 2 of the FANCM gene, results from a T to C substitution at nucleotide position 557. The valine at codon 186 is replaced by alanine, an amino acid with similar properties. This amino acid position is conserved. In addition, the in silico prediction for this alteration is inconclusive. Based on the available evidence, the clinical significance of this variant remains unclear.

NM_020937.4(FANCM):c.557T>C (p.Val186Ala)

Gene: FANCM (FA complementation group M; plus strand). Cytogenetic location: 14q21.2.
Variant type: single nucleotide variant.
Coding change: c.557T>C on transcript NM_020937.4 (MANE Select); coding-DNA position 557, T replaced by C.
Protein change: p.Val186Ala; replaces valine 186 with alanine.
Molecular consequence: missense variant.
Genome position (GRCh38, 1-based): chr14:45,137,117, T>C. VCF-style: chr14-45137117-T-C. GRCh37 (hg19) VCF-style: chr14-45606320-T-C.
Other names: c.557T>C, p.Val186Ala (NM_001308133.2, NM_001308134.2); short protein forms V186A.
Identifiers: ClinVar variation 4022593 (VCV004022593.1).